The following is an entry in ClinVar:

NM_001164508.2(NEB):c.6143C>T (p.Pro2048Leu)

Gene: NEB (nebulin; minus strand). Cytogenetic location: 2q23.3.
Variant type: single nucleotide variant.
Coding change: c.6143C>T on transcript NM_001164508.2 (MANE Select); coding-DNA position 6143, C replaced by T.
Protein change: p.Pro2048Leu; replaces proline 2048 with leucine.
Molecular consequence: missense variant.
Genome position (GRCh38, 1-based): chr2:151,658,023, G>A on the plus strand (C>T on the coding strand, the complement: NEB is on the minus strand). VCF-style: chr2-151658023-G-A. GRCh37 (hg19) VCF-style: chr2-152514537-G-A.
Other names: c.6143C>T, p.Pro2048Leu (NM_001164507.2, NM_001271208.2, NM_004543.5); short protein forms P2048L.
Identifiers: ClinVar variation 2840007 (VCV002840007.4), dbSNP rs2099105332, ClinGen allele CA348801937.
Genomic context (GRCh38, chr2:151,658,023, plus strand): 5'-ACCGTTTCCTTTGGACTTACATCACTTGCAATATCTCTGGAAGCCTTGGCAGCTTTGATA[G>A]GAATTGCATCAGGTCTGAGATCATAGCCTTTCTTTTTAGACTCTTCCAAGGAAAGTTTGT-3'
Protein context (NP_001157980.2, residues 2038-2058): KGYDLRPDAI[Pro2048Leu]IKAAKASRDI

ClinVar aggregate classification (germline): Uncertain significance. Review status: criteria provided, multiple submitters, no conflicts (2 of 4 stars). 2 submissions from 2 submitters: Uncertain significance (2). Last evaluated 2024-07-12.

Conditions:
Nemaline myopathy 2 (NEM2). Also called: Nemaline myopathy 2, autosomal recessive. Identifiers: MedGen C1850569, MONDO:0009725, OMIM 256030.

Allele frequency attached by ClinVar (database versions not stated): TOPMed below 0.00001.
gnomAD v4.1: 1 of 1,611,282 alleles (0.000062%); highest among the groups gnomAD compares: Non-Finnish European, 0.000085%; no homozygotes.

Submissions (2):

Women's Health and Genetics/Laboratory Corporation of America, LabCorp
Classification: Uncertain significance. Last evaluated: 2024-07-12. Review status: criteria provided, single submitter. Criteria: LabCorp Variant Classification Summary - May 2015. Collection method: clinical testing. Allele origin: germline.
Comment: Variant summary: NEB c.6143C>T (p.Pro2048Leu) results in a non-conservative amino acid change in the encoded protein sequence. Four of five in-silico tools predict a damaging effect of the variant on protein function. The variant was absent in 246484 control chromosomes. The available data on variant occurrences in the general population are insufficient to allow any conclusion about variant significance. To our knowledge, no occurrence of c.6143C>T in individuals affected with Nemaline Myopathy 2 and no experimental evidence demonstrating its impact on protein function have been reported. ClinVar contains an entry for this variant (Variation ID: 2840007). Based on the evidence outlined above, the variant was classified as uncertain significance.

Labcorp Genetics (formerly Invitae), Labcorp
Classification: Uncertain significance for Nemaline myopathy 2. Last evaluated: 2023-02-22. Review status: criteria provided, single submitter. Criteria: Invitae Variant Classification Sherloc (09022015). Collection method: clinical testing. Allele origin: germline.
Comment: In summary, the available evidence is currently insufficient to determine the role of this variant in disease. Therefore, it has been classified as a Variant of Uncertain Significance. Experimental studies and prediction algorithms are not available or were not evaluated, and the functional significance of this variant is currently unknown. This variant has not been reported in the literature in individuals affected with NEB-related conditions. This variant is not present in population databases (gnomAD no frequency). This sequence change replaces proline, which is neutral and non-polar, with leucine, which is neutral and non-polar, at codon 2048 of the NEB protein (p.Pro2048Leu).